The following is an entry in ClinVar:

NM_000548.5(TSC2):c.2113G>T (p.Val705Leu)

Gene: TSC2 (TSC complex subunit 2; plus strand). Cytogenetic location: 16p13.3.
Variant type: single nucleotide variant.
Coding change: c.2113G>T on transcript NM_000548.5 (MANE Select); coding-DNA position 2113, G replaced by T.
Protein change: p.Val705Leu; replaces valine 705 with leucine.
Molecular consequence: missense variant. On other transcripts: non-coding transcript variant (5).
Genome position (GRCh38, 1-based): chr16:2,072,256, G>T. VCF-style: chr16-2072256-G-T. GRCh37 (hg19) VCF-style: chr16-2122257-G-T.
Other names: c.2113G>T, p.Val705Leu (NM_001370405.1, NM_001406663.1, NM_001406664.1 and 6 more transcripts); c.2203G>T, p.Val735Leu (NM_001406667.1, NM_001406668.1); c.2002G>T, p.Val668Leu (NM_001406670.1, NM_001318827.2, NM_001406678.1); c.2101G>T, p.Val701Leu (NM_001406671.1, NM_001406673.1); c.1966G>T, p.Val656Leu (NM_001406675.1, NM_001318829.2, NM_001406676.1 and 1 more transcripts); c.1513G>T, p.Val505Leu (NM_001406685.1, NM_001406686.1, NM_001406687.1 and 6 more transcripts); c.769G>T, p.Val257Leu (NM_001406689.1, NM_001406690.1, NM_001406691.1 and 6 more transcripts); c.2146G>T, p.Val716Leu (NM_001318832.2); and 3 more; short protein forms V257L, V505L, V551L, V171L, V656L, V716L, V735L, V668L.
Identifiers: ClinVar variation 2756035 (VCV002756035.3), dbSNP rs397515241, ClinGen allele CA394274779.

ClinVar aggregate classification (germline): Uncertain significance (1 of 4 stars; one submission).

Conditions:
Tuberous sclerosis 2 (TSC2). Identifiers: Orphanet 805, MedGen C1860707, MONDO:0013199, OMIM 613254.

Submission:

Labcorp Genetics (formerly Invitae), Labcorp
Classification: Uncertain significance for Tuberous sclerosis 2. Last evaluated: 2023-06-02. Review status: criteria provided, single submitter. Criteria: Invitae Variant Classification Sherloc (09022015). Collection method: clinical testing. Allele origin: germline.
Comment: Advanced modeling of protein sequence and biophysical properties (such as structural, functional, and spatial information, amino acid conservation, physicochemical variation, residue mobility, and thermodynamic stability) performed at Invitae indicates that this missense variant is not expected to disrupt TSC2 protein function. In summary, the available evidence is currently insufficient to determine the role of this variant in disease. Therefore, it has been classified as a Variant of Uncertain Significance. This sequence change replaces valine, which is neutral and non-polar, with leucine, which is neutral and non-polar, at codon 705 of the TSC2 protein (p.Val705Leu). This variant is not present in population databases (gnomAD no frequency). This variant has not been reported in the literature in individuals affected with TSC2-related conditions.